The following is an entry in ClinVar:

NM_031935.3(HMCN1):c.11525A>G (p.His3842Arg)

Gene: HMCN1 (hemicentin 1; plus strand). Cytogenetic location: 1q31.1.
Variant type: single nucleotide variant.
Coding change: c.11525A>G on transcript NM_031935.3 (MANE Select); coding-DNA position 11525, A replaced by G.
Protein change: p.His3842Arg; replaces histidine 3842 with arginine.
Molecular consequence: missense variant.
Genome position (GRCh38, 1-based): chr1:186,115,378, A>G. VCF-style: chr1-186115378-A-G. GRCh37 (hg19) VCF-style: chr1-186084510-A-G.
Other names: short protein forms H3842R.
Identifiers: ClinVar variation 2837472 (VCV002837472.3), dbSNP rs2528008077, ClinGen allele CA343944025.
Genomic context (GRCh38, chr1:186,115,378, plus strand): 5'-CTCTGGCTTGTGAGGCTACTGGGATACCAAAACCATCAATCAATTGGAGAAAAAATGGGC[A>G]TCTTCTTAATGTGGATCAAAATCAGAACTCATACAGGTAAGGATAATTTAAAACTCCTAC-3'
Protein context (NP_114141.2, residues 3832-3852): KPSINWRKNG[His3842Arg]LLNVDQNQNS

ClinVar aggregate classification (germline): Uncertain significance (1 of 4 stars; one submission).

Submission:

Labcorp Genetics (formerly Invitae), Labcorp
Classification: Uncertain significance. Last evaluated: 2023-02-14. Review status: criteria provided, single submitter. Criteria: Invitae Variant Classification Sherloc (09022015). Collection method: clinical testing. Allele origin: germline.
Comment: This sequence change replaces histidine, which is basic and polar, with arginine, which is basic and polar, at codon 3842 of the HMCN1 protein (p.His3842Arg). This variant is not present in population databases (gnomAD no frequency). This variant has not been reported in the literature in individuals affected with HMCN1-related conditions. An algorithm developed to predict the effect of missense changes on protein structure and function (PolyPhen-2) suggests that this variant is likely to be tolerated. In summary, the available evidence is currently insufficient to determine the role of this variant in disease. Therefore, it has been classified as a Variant of Uncertain Significance.